The following is an entry in ClinVar:

ClinVar aggregate classification (germline): Uncertain significance (1 of 4 stars; one submission).

Conditions:
Catecholaminergic polymorphic ventricular tachycardia (CVPT). Also called: Catecholamine-induced polymorphic ventricular tachycardia. Identifiers: Orphanet 3286, MedGen C5574922, MONDO:0017990.

Submission:

All of Us Research Program, National Institutes of Health
Classification: Uncertain significance for Catecholaminergic polymorphic ventricular tachycardia. Last evaluated: 2023-11-30. Review status: criteria provided, single submitter. Criteria: ACMG Guidelines, 2015. Collection method: clinical testing. Allele origin: germline. Inheritance: Autosomal dominant inheritance. Observed: 1 variant allele, 1 heterozygote.
Comment: This study involves interpretation of variants in research participants for the purpose of population health screening. Participant phenotype was not available at the time of variant classification. Additional details can be found in publication PMID: 35346344, PMCID: PMC8962531

NM_001035.3(RYR2):c.14453A>G (p.Tyr4818Cys)

Gene: RYR2 (ryanodine receptor 2; plus strand). Cytogenetic location: 1q43.
Variant type: single nucleotide variant.
Coding change: c.14453A>G on transcript NM_001035.3 (MANE Select); coding-DNA position 14453, A replaced by G.
Protein change: p.Tyr4818Cys; replaces tyrosine 4818 with cysteine.
Molecular consequence: missense variant.
Genome position (GRCh38, 1-based): chr1:237,819,055, A>G. VCF-style: chr1-237819055-A-G. GRCh37 (hg19) VCF-style: chr1-237982355-A-G.
Other names: short protein forms Y4818C.
Identifiers: ClinVar variation 3073951 (VCV003073951.1), dbSNP rs2528295120, ClinGen allele CA345426032.